The following is an entry in ClinVar:

ClinVar aggregate classification (germline): Pathogenic (1 of 4 stars; one submission).

Conditions:
Hereditary cancer-predisposing syndrome. Also called: Hereditary Cancer Syndrome; Neoplastic Syndromes, Hereditary; Hereditary neoplastic syndrome; Tumor predisposition. Identifiers: Orphanet 140162, MedGen C0027672, MeSH D009386, MONDO:0015356.

Submission:

Ambry Genetics
Classification: Pathogenic for Hereditary cancer-predisposing syndrome. Last evaluated: 2015-04-16. Review status: criteria provided, single submitter. Criteria: Ambry Variant Classification Scheme 2023. Collection method: clinical testing. Allele origin: germline.
Comment: The c.1400_1401delAA pathogenic mutation (also known as p.Q467Rfs*9), located in coding exon 8 of the DICER1 gene, results from a deletion of two nucleotides between nucleotide positions 1400 and 1401, causing a translational frameshift with a predicted alternate stop codon. Since frameshifts are typically deleterious in nature, this alteration is interpreted as a disease-causing mutation (ACMG Recommendations for Standards for Interpretation and Reporting of Sequence Variations. Revision 2007. Genet Med. 2008;10:294).

NM_177438.3(DICER1):c.1400_1401del (p.Gln467fs)

Gene: DICER1 (dicer 1, ribonuclease III; minus strand). Cytogenetic location: 14q32.13.
Variant type: Deletion.
Coding change: c.1400_1401del on transcript NM_177438.3 (MANE Select); coding-DNA positions 1400 to 1401, 2 bases deleted (AA; older notation c.1400_1401delAA).
Protein change: p.Gln467fs; shifts the reading frame from glutamine 467.
Molecular consequence: frameshift variant.
Genome position (GRCh38, 1-based): chr14:95,117,730-95,117,731, TT deleted on the plus strand (AA on the coding strand, the reverse complement: DICER1 is on the minus strand). VCF-style (leftmost placement, unchanged base first): chr14-95117729-CTT-C. GRCh37 (hg19) VCF-style: chr14-95584066-CTT-C.
Other names: c.1400_1401del, p.Gln467fs (NM_001195573.1, NM_001271282.3, NM_001291628.2 and 1 more transcripts); c.1400_1401delAA (NM_177438.2); short protein forms Q467fs.
Identifiers: ClinVar variation 429131 (VCV000429131.5), dbSNP rs1131691203, ClinGen allele CA645369630.